The following is an entry in ClinVar:

ClinVar aggregate classification (germline): Likely pathogenic (1 of 4 stars; one submission).

Allele frequency attached by ClinVar (database versions not stated): TOPMed below 0.00001; gnomAD 0.00001.
gnomAD v4.1: 1 of 1,604,180 alleles (0.000062%); highest among the groups gnomAD compares: African/African-American, 0.0013%; no homozygotes.

Submission:

Labcorp Genetics (formerly Invitae), Labcorp
Classification: Likely pathogenic. Last evaluated: 2023-09-08. Review status: criteria provided, single submitter. Criteria: Invitae Variant Classification Sherloc (09022015). Collection method: clinical testing. Allele origin: germline.
Comment: This sequence change affects a donor splice site in intron 8 of the CHRNG gene. It is expected to disrupt RNA splicing. Variants that disrupt the donor or acceptor splice site typically lead to a loss of protein function (PMID: 16199547), and loss-of-function variants in CHRNG are known to be pathogenic (PMID: 16826520). This variant is not present in population databases (gnomAD no frequency). This variant has not been reported in the literature in individuals affected with CHRNG-related conditions. Algorithms developed to predict the effect of sequence changes on RNA splicing suggest that this variant may disrupt the consensus splice site. In summary, the currently available evidence indicates that the variant is pathogenic, but additional data are needed to prove that conclusively. Therefore, this variant has been classified as Likely Pathogenic.

Literature cited by the submitters: PubMed 16199547; PubMed 16826520.

NM_005199.5(CHRNG):c.920+2T>G

Gene: CHRNG (cholinergic receptor nicotinic gamma subunit; plus strand). Cytogenetic location: 2q37.1.
Variant type: single nucleotide variant.
Coding change: c.920+2T>G on transcript NM_005199.5 (MANE Select); the canonical splice donor site of the intron after coding-DNA position 920, T replaced by G.
Molecular consequence: splice donor variant.
Genome position (GRCh38, 1-based): chr2:232,543,391, T>G. VCF-style: chr2-232543391-T-G. GRCh37 (hg19) VCF-style: chr2-233408101-T-G.
Identifiers: ClinVar variation 2982950 (VCV002982950.3), dbSNP rs1451281576, ClinGen allele CA351013359.